The following is an entry in ClinVar:

ClinVar aggregate classification (germline): Uncertain significance (1 of 4 stars; one submission).

Conditions:
Inborn genetic diseases. Identifiers: MedGen C0950123, MeSH D030342.

Allele frequency attached by ClinVar (database versions not stated): TOPMed below 0.00001.

Submission:

Ambry Genetics
Classification: Uncertain significance for Inborn genetic diseases. Last evaluated: 2020-05-28. Review status: criteria provided, single submitter. Criteria: Ambry Variant Classification Scheme 2023. Collection method: clinical testing. Allele origin: germline.
Comment: The alteration results in an amino acid change:_x000D_ _x000D_ The c.1093C>T (p.R365W) alteration is located in exon 9 (coding exon 8) of the GABRA3 gene. This alteration results from a C to T substitution at nucleotide position 1093, causing the arginine (R) at amino acid position 365 to be replaced by a tryptophan (W). The alteration is not observed in population databases:_x000D_ _x000D_ Based on data from the Genome Aggregation Database (gnomAD), the GABRA3 c.1093C>T alteration was not observed, with coverage at this position. The altered amino acid is conserved throughout evolution:_x000D_ _x000D_ The p.R365 amino acid is conserved in available vertebrate species. The alteration is predicted deleterious by in silico modeling:_x000D_ _x000D_ The p.R365W alteration is predicted to be deleterious by in silico analysis. Based on insufficient or conflicting evidence, the clinical significance of this alteration remains unclear.

NM_000808.4(GABRA3):c.1093C>T (p.Arg365Trp)

Gene: GABRA3 (gamma-aminobutyric acid type A receptor subunit alpha3; minus strand). Cytogenetic location: Xq28.
Variant type: single nucleotide variant.
Coding change: c.1093C>T on transcript NM_000808.4 (MANE Select); coding-DNA position 1093, C replaced by T.
Protein change: p.Arg365Trp; replaces arginine 365 with tryptophan.
Molecular consequence: missense variant.
Genome position (GRCh38, 1-based): chrX:152,189,780, G>A on the plus strand (C>T on the coding strand, the complement: GABRA3 is on the minus strand). VCF-style: chrX-152189780-G-A. GRCh37 (hg19) VCF-style: chrX-151358252-G-A.
Other names: short protein forms R365W.
Identifiers: ClinVar variation 985611 (VCV000985611.4), dbSNP rs1937299789, ClinGen allele CA415277254.